The following is an entry in ClinVar:

NM_004333.6(BRAF):c.981-18A>G

Genes: BRAF (B-Raf proto-oncogene, serine/threonine kinase; minus strand), LOC126860202 (BRD4-independent group 4 enhancer GRCh37_chr7:140493623-140494822; plus strand). Cytogenetic location: 7q34.
Variant type: single nucleotide variant.
Coding change: c.981-18A>G on transcript NM_004333.6 (MANE Select); 18 bases into the intron before coding-DNA position 981, A replaced by G.
Molecular consequence: intron variant.
Genome position (GRCh38, 1-based): chr7:140,794,485, T>C on the plus strand (A>G on the coding strand, the complement: BRAF is on the minus strand). VCF-style: chr7-140794485-T-C. GRCh37 (hg19) VCF-style: chr7-140494285-T-C.
Other names: c.981-18A>G (NM_001378474.1, NM_001378471.1, NM_001378468.1 and 4 more transcripts); c.879-18A>G (NM_001378470.1); c.717-18A>G (NM_001378475.1); c.990-18A>G (NM_001378467.1); c.825-18A>G (NM_001378472.1, NM_001378473.1).
Identifiers: ClinVar variation 3679511 (VCV003679511.2).

ClinVar aggregate classification (germline): Uncertain significance (1 of 4 stars; one submission).

Conditions:
RASopathy. Also called: Noonan spectrum disorder; rasopathies. Identifiers: Orphanet 536391, MedGen C5555857, MONDO:0021060.

gnomAD v4.1: 1 of 1,612,960 alleles (0.000062%); highest among the groups gnomAD compares: Non-Finnish European, 0.000085%; no homozygotes.

Submission:

Labcorp Genetics (formerly Invitae), Labcorp
Classification: Uncertain significance for RASopathy. Last evaluated: 2024-03-07. Review status: criteria provided, single submitter. Criteria: Invitae Variant Classification Sherloc (09022015). Collection method: clinical testing. Allele origin: germline.
Comment: This sequence change falls in intron 7 of the BRAF gene. It does not directly change the encoded amino acid sequence of the BRAF protein. This variant is present in population databases (rs773285753, gnomAD 0.0009%). This variant has not been reported in the literature in individuals affected with BRAF-related conditions. Algorithms developed to predict the effect of sequence changes on RNA splicing suggest that this variant may disrupt the consensus splice site. In summary, the available evidence is currently insufficient to determine the role of this variant in disease. Therefore, it has been classified as a Variant of Uncertain Significance.